The following is an entry in ClinVar:

ClinVar aggregate classification (germline): Uncertain significance (1 of 4 stars; one submission).

Conditions:
Pierpont syndrome (PRPTS). Identifiers: Orphanet 487825, MedGen C1865644, MONDO:0011213, OMIM 602342.

Allele frequency attached by ClinVar (database versions not stated): gnomAD exomes below 0.00001.
gnomAD v4.1: 1 of 1,535,044 alleles (0.000065%); highest among the groups gnomAD compares: East Asian, 0.0025%; no homozygotes.

Submission:

Labcorp Genetics (formerly Invitae), Labcorp
Classification: Uncertain significance for Pierpont syndrome. Last evaluated: 2023-10-16. Review status: criteria provided, single submitter. Criteria: Invitae Variant Classification Sherloc (09022015). Collection method: clinical testing. Allele origin: germline.
Comment: This sequence change falls in intron 10 of the TBL1XR1 gene. It does not directly change the encoded amino acid sequence of the TBL1XR1 protein. It affects a nucleotide within the consensus splice site. This variant is not present in population databases (gnomAD no frequency). This variant has not been reported in the literature in individuals affected with TBL1XR1-related conditions. Variants that disrupt the consensus splice site are a relatively common cause of aberrant splicing (PMID: 17576681, 9536098). Algorithms developed to predict the effect of sequence changes on RNA splicing suggest that this variant is not likely to affect RNA splicing. In summary, the available evidence is currently insufficient to determine the role of this variant in disease. Therefore, it has been classified as a Variant of Uncertain Significance.

Literature cited by the submitters: PubMed 17576681; PubMed 9536098.

NM_024665.7(TBL1XR1):c.925+3A>G

Genes: TBL1XR1 (TBL1X/Y related 1; minus strand), TBL1XR1-AS1 (TBL1XR1 antisense RNA 1; plus strand). Cytogenetic location: 3q26.32.
Variant type: single nucleotide variant.
Coding change: c.925+3A>G on transcript NM_024665.7 (MANE Select); 3 bases into the intron after coding-DNA position 925, A replaced by G.
Molecular consequence: intron variant.
Genome position (GRCh38, 1-based): chr3:177,046,126, T>C on the plus strand (A>G on the coding strand, the complement: TBL1XR1 is on the minus strand). VCF-style: chr3-177046126-T-C. GRCh37 (hg19) VCF-style: chr3-176763914-T-C.
Other names: c.925+3A>G (NM_001374327.1, NM_001321194.3, NM_001321193.3 and 2 more transcripts); c.664+3A>G (NM_001374330.1, NM_001321195.3).
Identifiers: ClinVar variation 2769031 (VCV002769031.3), dbSNP rs2473692005, ClinGen allele CA2668596422.